The following is an entry in ClinVar:

ClinVar aggregate classification (germline): Uncertain significance (1 of 4 stars; one submission).

Conditions:
Inborn genetic diseases. Identifiers: MedGen C0950123, MeSH D030342.

gnomAD v4.1: 29 of 1,613,990 alleles (0.0018%); highest among the groups gnomAD compares: South Asian, 0.032%; 1 homozygote.

Submission:

Ambry Genetics
Classification: Uncertain significance for Inborn genetic diseases. Last evaluated: 2026-07-08. Review status: criteria provided, single submitter. Criteria: Ambry Variant Classification Scheme 2023. Collection method: clinical testing. Allele origin: germline.
Comment: The c.230C>G (p.A77G) alteration is located in exon 3 (coding exon 3) of the AP3B2 gene. This alteration results from a C to G substitution at nucleotide position 230, causing the alanine (A) at amino acid position 77 to be replaced by a glycine (G). Based on data from gnomAD, the G allele has an overall frequency of 0.004% (9/249248) total alleles studied. The highest observed frequency was 0.029% (9/30598) of South Asian alleles. Based on insufficient or conflicting evidence, the clinical significance of this alteration remains unclear.

NM_001278512.2(AP3B2):c.230C>G (p.Ala77Gly)

Genes: AP3B2 (adaptor related protein complex 3 subunit beta 2; minus strand), CPEB1-AS1 (CPEB1 antisense RNA 1; plus strand). Cytogenetic location: 15q25.2.
Variant type: single nucleotide variant.
Coding change: c.230C>G on transcript NM_001278512.2 (MANE Select); coding-DNA position 230, C replaced by G.
Protein change: p.Ala77Gly; replaces alanine 77 with glycine.
Molecular consequence: missense variant.
Genome position (GRCh38, 1-based): chr15:82,689,192, G>C on the plus strand (C>G on the coding strand, the complement: AP3B2 is on the minus strand). VCF-style: chr15-82689192-G-C. GRCh37 (hg19) VCF-style: chr15-83357944-G-C.
Other names: c.230C>G, p.Ala77Gly (NM_001278511.2, NM_001348440.2, NM_004644.5); short protein forms A77G.
Identifiers: ClinVar variation 5024175 (VCV005024175.1).